The following is an entry in ClinVar:

ClinVar aggregate classification (germline): Uncertain significance. Review status: criteria provided, multiple submitters, no conflicts (2 of 4 stars). 2 submissions from 2 submitters: Uncertain significance (2). Last evaluated 2020-01-30.

Allele frequency attached by ClinVar (database versions not stated): ExAC 0.00001; gnomAD 0.00001 and 0.00002; gnomAD exomes 0.00001; TOPMed 0.00003; 1000 Genomes Project 30x 0.00016; 1000 Genomes Project 0.00020.
gnomAD v4.1: 17 of 1,614,198 alleles (0.0011%); highest among the groups gnomAD compares: East Asian, 0.0067%; no homozygotes.

Submissions (2):

Labcorp Genetics (formerly Invitae), Labcorp
Classification: Uncertain significance. Last evaluated: 2020-01-30. Review status: criteria provided, single submitter. Criteria: Invitae Variant Classification Sherloc (09022015). Collection method: clinical testing. Allele origin: germline.
Comment: This variant is present in population databases (rs201072890, ExAC 0.01%). This sequence change replaces tyrosine with cysteine at codon 51 of the KCNV2 protein (p.Tyr51Cys). The tyrosine residue is moderately conserved and there is a large physicochemical difference between tyrosine and cysteine. This variant has not been reported in the literature in individuals with KCNV2-related conditions. In summary, the available evidence is currently insufficient to determine the role of this variant in disease. Therefore, it has been classified as a Variant of Uncertain Significance. Algorithms developed to predict the effect of sequence changes on RNA splicing suggest that this variant may create or strengthen a splice site, but this prediction has not been confirmed by published transcriptional studies. Algorithms developed to predict the effect of missense changes on protein structure and function output the following: SIFT: "Deleterious"; PolyPhen-2: "Benign"; Align-GVGD: "Class C0". The cysteine amino acid residue is found in multiple mammalian species, suggesting that this missense change does not adversely affect protein function. These predictions have not been confirmed by published functional studies and their clinical significance is uncertain.

Blueprint Genetics
Classification: Uncertain significance. Last evaluated: 2019-04-27. Review status: criteria provided, single submitter. Criteria: ACMG Guidelines, 2015. Collection method: clinical testing. Allele origin: germline.

NM_133497.4(KCNV2):c.152A>G (p.Tyr51Cys)

Gene: KCNV2 (potassium voltage-gated channel modifier subfamily V member 2; plus strand). Cytogenetic location: 9p24.2.
Variant type: single nucleotide variant.
Coding change: c.152A>G on transcript NM_133497.4 (MANE Select); coding-DNA position 152, A replaced by G.
Protein change: p.Tyr51Cys; replaces tyrosine 51 with cysteine.
Molecular consequence: missense variant.
Genome position (GRCh38, 1-based): chr9:2,717,891, A>G. VCF-style: chr9-2717891-A-G. GRCh37 (hg19) VCF-style: chr9-2717891-A-G.
Other names: short protein forms Y51C.
Identifiers: ClinVar variation 1017582 (VCV001017582.10), dbSNP rs201072890, ClinGen allele CA4965337.
Genomic context (GRCh38, chr9:2,717,891, plus strand): 5'-GCTCCCTGGGTGCCCGTTCCGGCTCCCAGGCCAGCATCCACGGCTGGACAGAGGGCAACT[A>G]TAACTACTACATCGAGGAAGACGAAGACGGCGAGGAGGAGGACCAGTGGAAGGACGACCT-3'
Protein context (NP_598004.1, residues 41-61): ASIHGWTEGN[Tyr51Cys]NYYIEEDEDG